The following is an entry in ClinVar:

ClinVar aggregate classification (germline): Uncertain significance. Review status: criteria provided, multiple submitters, no conflicts (2 of 4 stars). 4 submissions from 4 submitters: Uncertain significance (4). Last evaluated 2024-08-13.

Conditions:
Inborn genetic diseases. Identifiers: MedGen C0950123, MeSH D030342.
Epidermolysis bullosa simplex, Ogna type (EBS5A). Also called: Pidermolysis bullosa simplex 5A, Ogna type; EPIDERMOLYSIS BULLOSA SIMPLEX 5A, OGNA TYPE. Identifiers: Orphanet 79401, MedGen C0432317, MONDO:0007555, OMIM 131950.
Epidermolysis bullosa simplex 5C, with pyloric atresia (EBS5C). Also called: PLEC-Related Epidermolysis Bullosa with Pyloric Atresia; Epidermolysis bullosa simplex with pyloric atresia; PLEC1-Related Epidermolysis Bullosa with Pyloric Atresia. Identifiers: Orphanet 158684, MedGen C2677349, MONDO:0012807, OMIM 612138.
Autosomal recessive limb-girdle muscular dystrophy type 2Q (LGMDR17). Also called: MUSCULAR DYSTROPHY, LIMB-GIRDLE, AUTOSOMAL RECESSIVE 17. Identifiers: Orphanet 254361, MedGen C3150989, MONDO:0013390, OMIM 613723.
Epidermolysis bullosa simplex 5B, with muscular dystrophy (EBS5B). Also called: EPIDERMOLYSIS BULLOSA SIMPLEX AND LIMB-GIRDLE MUSCULAR DYSTROPHY; Epidermolysis bullosa simplex with muscular dystrophy. Identifiers: Orphanet 257, MedGen C2931072, MONDO:0009181, OMIM 226670.
Epidermolysis bullosa simplex with nail dystrophy (EBS5D). Identifiers: MedGen C4225309, MONDO:0014661, OMIM 616487.

Allele frequency attached by ClinVar (database versions not stated): gnomAD 0.00003; TOPMed 0.00005; 1000 Genomes Project 0.00020; 1000 Genomes Project 30x 0.00031.
gnomAD v4.1: 52 of 1,612,652 alleles (0.0032%); highest among the groups gnomAD compares: African/African-American, 0.008%; 1 homozygote.

Submissions (4):

Labcorp Genetics (formerly Invitae), Labcorp
Classification: Uncertain significance for Autosomal recessive limb-girdle muscular dystrophy type 2Q; Epidermolysis bullosa simplex, Ogna type; Epidermolysis bullosa simplex with nail dystrophy; Epidermolysis bullosa simplex 5C, with pyloric atresia; Epidermolysis bullosa simplex 5B, with muscular dystrophy. Last evaluated: 2024-08-13. Review status: criteria provided, single submitter. Criteria: Invitae Variant Classification Sherloc (09022015). Collection method: clinical testing. Allele origin: germline.
Comment: This sequence change replaces proline, which is neutral and non-polar, with leucine, which is neutral and non-polar, at codon 1326 of the PLEC protein (p.Pro1326Leu). This variant is present in population databases (rs201955391, gnomAD 0.01%), including at least one homozygous and/or hemizygous individual. This variant has not been reported in the literature in individuals affected with PLEC-related conditions. ClinVar contains an entry for this variant (Variation ID: 290651). Invitae Evidence Modeling of protein sequence and biophysical properties (such as structural, functional, and spatial information, amino acid conservation, physicochemical variation, residue mobility, and thermodynamic stability) has been performed for this missense variant. However, the output from this modeling did not meet the statistical confidence thresholds required to predict the impact of this variant on PLEC protein function. In summary, the available evidence is currently insufficient to determine the role of this variant in disease. Therefore, it has been classified as a Variant of Uncertain Significance.

Ambry Genetics
Classification: Uncertain significance for Inborn genetic diseases. Last evaluated: 2023-02-22. Review status: criteria provided, single submitter. Criteria: Ambry Variant Classification Scheme 2023. Collection method: clinical testing. Allele origin: germline.

Revvity Omics, Revvity
Classification: Uncertain significance. Last evaluated: 2022-01-27. Review status: criteria provided, single submitter. Criteria: ACMG Guidelines, 2015. Collection method: clinical testing. Allele origin: germline.

Eurofins Ntd Llc (ga)
Classification: Uncertain significance. Last evaluated: 2016-08-26. Review status: criteria provided, single submitter. Criteria: EGL Classification Definitions 2015. Collection method: clinical testing. Allele origin: germline. Observed: 1 variant allele, 1 homozygote.

NM_201384.3(PLEC):c.3896C>T (p.Pro1299Leu)

Gene: PLEC (plectin; minus strand). Cytogenetic location: 8q24.3.
Variant type: single nucleotide variant.
Coding change: c.3896C>T on transcript NM_201384.3 (MANE Select); coding-DNA position 3896, C replaced by T.
Protein change: p.Pro1299Leu; replaces proline 1299 with leucine.
Molecular consequence: missense variant.
Genome position (GRCh38, 1-based): chr8:143,927,026, G>A on the plus strand (C>T on the coding strand, the complement: PLEC is on the minus strand). VCF-style: chr8-143927026-G-A. GRCh37 (hg19) VCF-style: chr8-145001194-G-A.
Other names: c.3977C>T, p.Pro1326Leu (NM_000445.5); c.3854C>T, p.Pro1285Leu (NM_201378.4); c.3830C>T, p.Pro1277Leu (NM_201379.3); c.4307C>T, p.Pro1436Leu (NM_201380.4); c.3800C>T, p.Pro1267Leu (NM_201381.3); c.3896C>T, p.Pro1299Leu (NM_201382.4); c.3908C>T, p.Pro1303Leu (NM_201383.3); c.3977C>T (NM_000445.3); short protein forms P1436L, P1267L, P1326L, P1285L, P1303L, P1277L, P1299L.
Identifiers: ClinVar variation 290651 (VCV000290651.16), dbSNP rs201955391, ClinGen allele CA4926860.
Genomic context (GRCh38, chr8:143,927,026, plus strand): 5'-CCCCACCCTACCTCCTGGATGACACTCTCTGATCCCGACTGGACCTTGGGCTTCTTGGCC[G>A]GGGAGGCCACCGGCTCAAGCTGCGCCTTGTACGTCACCAGCTGGAGTTCATAGTCCTGTG-3'
Protein context (NP_958786.1, residues 1289-1309): YKAQLEPVAS[Pro1299Leu]AKKPKVQSGS